The following is an entry in ClinVar:

ClinVar aggregate classification (germline): Pathogenic/Likely pathogenic. Review status: criteria provided, multiple submitters, no conflicts (2 of 4 stars). 2 submissions from 2 submitters: Pathogenic (1); Likely pathogenic (1). Last evaluated 2025-04-24.

Conditions:
Early-infantile DEE. Also called: Ohtahara syndrome; Early infantile epileptic encephalopathy; Early infantile epileptic encephalopathy with suppression bursts. Identifiers: Orphanet 1934, MedGen C0393706, MONDO:0800491.

Submissions (2):

GeneDx
Classification: Likely pathogenic. Last evaluated: 2025-04-24. Review status: criteria provided, single submitter. Criteria: GeneDx Variant Classification Process June 2021. Collection method: clinical testing. Allele origin: germline. Affected: yes.
Comment: Not observed at significant frequency in large population cohorts (gnomAD); In silico analysis supports that this missense variant has a deleterious effect on protein structure/function; This substitution is predicted to be within the transmembrane segment S3 of the third homologous domain; This variant is associated with the following publications: (PMID: 32090326, 35074891, 21248271)

Labcorp Genetics (formerly Invitae), Labcorp
Classification: Pathogenic for Early-infantile DEE. Last evaluated: 2024-06-28. Review status: criteria provided, single submitter. Criteria: Invitae Variant Classification Sherloc (09022015). Collection method: clinical testing. Allele origin: germline.
Comment: This sequence change replaces aspartic acid, which is acidic and polar, with asparagine, which is neutral and polar, at codon 1288 of the SCN1A protein (p.Asp1288Asn). This variant is not present in population databases (gnomAD no frequency). This missense change has been observed in individual(s) with SCN1A-related conditions (PMID: 21248271; Invitae). In at least one individual the variant was observed to be de novo. ClinVar contains an entry for this variant (Variation ID: 1024964). Advanced modeling of protein sequence and biophysical properties (such as structural, functional, and spatial information, amino acid conservation, physicochemical variation, residue mobility, and thermodynamic stability) performed at Invitae indicates that this missense variant is expected to disrupt SCN1A protein function with a positive predictive value of 95%. This variant disrupts the p.Asp1288 amino acid residue in SCN1A. Other variant(s) that disrupt this residue have been determined to be pathogenic (Invitae). This suggests that this residue is clinically significant, and that variants that disrupt this residue are likely to be disease-causing. For these reasons, this variant has been classified as Pathogenic.

Literature cited by the submitters: PubMed 21248271 (cited by Labcorp Genetics (formerly Invitae), Labcorp).

NM_001165963.4(SCN1A):c.3862G>A (p.Asp1288Asn)

Genes: SCN1A (sodium voltage-gated channel alpha subunit 1; minus strand), LOC102724058 (uncharacterized LOC102724058; plus strand). Cytogenetic location: 2q24.3.
Variant type: single nucleotide variant.
Coding change: c.3862G>A on transcript NM_001165963.4 (MANE Select); coding-DNA position 3862, G replaced by A.
Protein change: p.Asp1288Asn; replaces aspartic acid 1288 with asparagine.
Molecular consequence: missense variant. On other transcripts: non-coding transcript variant (1).
Genome position (GRCh38, 1-based): chr2:166,012,126, C>T on the plus strand (G>A on the coding strand, the complement: SCN1A is on the minus strand). VCF-style: chr2-166012126-C-T. GRCh37 (hg19) VCF-style: chr2-166868636-C-T.
Other names: c.3778G>A, p.Asp1260Asn (NM_001165964.3, NM_001353957.2, NM_001353958.2); c.3862G>A, p.Asp1288Asn (NM_001202435.3, NM_001353948.2); c.3829G>A, p.Asp1277Asn (NM_001353949.2, NM_001353950.2, NM_001353951.2 and 2 more transcripts); c.3826G>A, p.Asp1276Asn (NM_001353954.2, NM_001353955.2); c.3775G>A, p.Asp1259Asn (NM_001353960.2); c.1420G>A, p.Asp474Asn (NM_001353961.2); c.3862G>A (NM_001165963.1); short protein forms D1259N, D1260N, D1276N, D1277N, D1288N, D474N.
Identifiers: ClinVar variation 1024964 (VCV001024964.10), dbSNP rs1553531134, ClinGen allele CA349053915.